The following is an entry in ClinVar:

ClinVar aggregate classification (germline): Uncertain significance (1 of 4 stars; one submission).

Conditions:
Microcephaly-intellectual disability-sensorineural hearing loss-epilepsy-abnormal muscle tone syndrome (NEDHSB). Also called: NEURODEVELOPMENTAL DISORDER WITH HEARING LOSS, SEIZURES, AND BRAIN ABNORMALITIES. Identifiers: Orphanet 457351, MedGen C4225276, MONDO:0014698, OMIM 616577.

Allele frequency attached by ClinVar (database versions not stated): gnomAD below 0.00001 and 0.00001; TOPMed below 0.00001; ExAC 0.00001; gnomAD exomes 0.00001 and 0.00002.
gnomAD v4.1: 14 of 1,613,966 alleles (0.00087%); highest among the groups gnomAD compares: South Asian, 0.0055%; no homozygotes.

Submission:

Labcorp Genetics (formerly Invitae), Labcorp
Classification: Uncertain significance for Microcephaly-intellectual disability-sensorineural hearing loss-epilepsy-abnormal muscle tone syndrome. Last evaluated: 2025-12-01. Review status: criteria provided, single submitter. Criteria: Invitae Variant Classification Sherloc (09022015). Collection method: clinical testing. Allele origin: germline.
Comment: This sequence change replaces arginine, which is basic and polar, with glutamine, which is neutral and polar, at codon 577 of the SPATA5 protein (p.Arg577Gln). This variant is present in population databases (rs754575085, gnomAD 0.007%). This variant has not been reported in the literature in individuals affected with SPATA5-related conditions. ClinVar contains an entry for this variant (Variation ID: 944965). Invitae Evidence Modeling of protein sequence and biophysical properties (such as structural, functional, and spatial information, amino acid conservation, physicochemical variation, residue mobility, and thermodynamic stability) has been performed for this missense variant. However, the output from this modeling did not meet the statistical confidence thresholds required to predict the impact of this variant on SPATA5 protein function. In summary, the available evidence is currently insufficient to determine the role of this variant in disease. Therefore, it has been classified as a Variant of Uncertain Significance.

NM_145207.3(AFG2A):c.1730G>A (p.Arg577Gln)

Gene: AFG2A (AAA ATPase AFG2A; plus strand). Cytogenetic location: 4q28.1.
Variant type: single nucleotide variant.
Coding change: c.1730G>A on transcript NM_145207.3 (MANE Select); coding-DNA position 1730, G replaced by A.
Protein change: p.Arg577Gln; replaces arginine 577 with glutamine.
Molecular consequence: missense variant.
Genome position (GRCh38, 1-based): chr4:122,979,247, G>A. VCF-style: chr4-122979247-G-A. GRCh37 (hg19) VCF-style: chr4-123900402-G-A.
Other names: c.1727G>A, p.Arg576Gln (NM_001317799.2, NM_001345856.2); short protein forms R577Q, R576Q.
Identifiers: ClinVar variation 944965 (VCV000944965.5), dbSNP rs754575085, ClinGen allele CA3070535.